The following is an entry in ClinVar:

NC_000020.11:g.(?_10253609)_(10673550_?)del

Genes: JAG1 (jagged canonical Notch ligand 1; minus strand), MIR6870 (microRNA 6870; minus strand), MKKS (MKKS centrosomal shuttling protein; minus strand), SLX4IP (SLX4 interacting protein; plus strand), SNAP25 (synaptosome associated protein 25; plus strand) and 20 more. Cytogenetic location: 20p12.2.
Variant type: Deletion.
Identifiers: ClinVar variation 652394 (VCV000652394.2).

ClinVar aggregate classification (germline): Pathogenic (1 of 4 stars; one submission).

Conditions:
Alagille syndrome due to a JAG1 point mutation. Also called: HEPATIC DUCTULAR HYPOPLASIA, SYNDROMATIC; JAG1-Related Alagille Syndrome; Alagille Syndrome 1. Identifiers: Orphanet 261619, Orphanet 52, MedGen C1956125, MONDO:0016862, OMIM 118450.

Submission:

Labcorp Genetics (formerly Invitae), Labcorp
Classification: Pathogenic for Alagille syndrome 1. Last evaluated: 2019-12-23. Review status: criteria provided, single submitter. Criteria: Invitae Variant Classification Sherloc (09022015). Collection method: clinical testing. Allele origin: germline.
Comment: A gross deletion of the genomic region encompassing the full coding sequence of the JAG1 gene has been identified. The boundaries of this event are unknown as the deletion extends beyond the assayed region for this gene and therefore may encompass additional genes. This variant has been reported in the literature in several individuals affected with Alagille syndrome (PMID: 19058200, 16575836, 22382802, 10213047). Loss-of-function variants in JAG1 are known to be pathogenic (PMID: 11180599). For these reasons, this variant has been classified as Pathogenic.

Literature cited by the submitters: PubMed 10213047; PubMed 22382802; PubMed 16575836; PubMed 19058200.